The following is an entry in ClinVar:

NM_130384.3(ATRIP):c.1370G>A (p.Ser457Asn)

Genes: ATRIP (ATR interacting protein; plus strand), ATRIP-TREX1 (ATRIP-TREX1 readthrough; plus strand). Cytogenetic location: 3p21.31.
Variant type: single nucleotide variant.
Coding change: c.1370G>A on transcript NM_130384.3 (MANE Select); coding-DNA position 1370, G replaced by A.
Protein change: p.Ser457Asn; replaces serine 457 with asparagine.
Molecular consequence: missense variant. On other transcripts: non-coding transcript variant (1).
Genome position (GRCh38, 1-based): chr3:48,460,424, G>A. VCF-style: chr3-48460424-G-A. GRCh37 (hg19) VCF-style: chr3-48501823-G-A.
Other names: c.989G>A, p.Ser330Asn (NM_001271022.2); c.1091G>A, p.Ser364Asn (NM_001271023.2); c.1370G>A, p.Ser457Asn (NM_032166.4); short protein forms S364N, S457N, S330N.
Identifiers: ClinVar variation 3976748 (VCV003976748.1).
Genomic context (GRCh38, chr3:48,460,424, plus strand): 5'-TGGCAGCTGCTAAGAGAAGCGGAGCACCTGGGGACTCACCGACACATTCCTCCTGCGTGA[G>A]CTCTGGGGTAGAGACCAACCCTGAGGACTCAGTGTGCATCCTGGAAGGCTTCTCTGTGAC-3'
Protein context (NP_569055.1, residues 447-467): GDSPTHSSCV[Ser457Asn]SGVETNPEDS

ClinVar aggregate classification (germline): Uncertain significance (1 of 4 stars; one submission).

Submission:

Ambry Genetics
Classification: Uncertain significance. Last evaluated: 2025-05-21. Review status: criteria provided, single submitter. Criteria: Ambry Variant Classification Scheme 2023. Collection method: clinical testing. Allele origin: germline.
Comment: The p.S457N variant (also known as c.1370G>A), located in coding exon 8 of the ATRIP gene, results from a G to A substitution at nucleotide position 1370. The serine at codon 457 is replaced by asparagine, an amino acid with highly similar properties. This amino acid position is conserved. In addition, this alteration is predicted to be tolerated by in silico analysis. Based on the available evidence, the clinical significance of this variant remains unclear.